The following is an entry in ClinVar:

ClinVar aggregate classification (germline): Pathogenic. Review status: reviewed by expert panel (3 of 4 stars). 2 submissions from 2 submitters: Pathogenic (1). 1 of the submissions does not count toward it. Last evaluated 2017-12-15.

Conditions:
Breast-ovarian cancer, familial, susceptibility to, 1 (BROVCA1). Also called: BRCA1 Hereditary Breast and Ovarian Cancer; OVARIAN CANCER, SUSCEPTIBILITY TO. Identifiers: Orphanet 145, MedGen C2676676, MONDO:0011450, OMIM 604370. Disease mechanism: loss of function.
Familial cancer of breast. Also called: hereditary breast carcinoma; BREAST CANCER, FAMILIAL; Hereditary breast cancer. Identifiers: Orphanet 227535, MedGen C0346153, MONDO:0016419, OMIM 114480. Disease mechanism: loss of function.

Submissions (2):

Evidence-based Network for the Interpretation of Germline Mutant Alleles (ENIGMA)
Classification: Pathogenic for Breast-ovarian cancer, familial, susceptibility to, 1. Last evaluated: 2017-12-15. Review status: reviewed by expert panel. Criteria: ENIGMA BRCA1/2 Classification Criteria (2017-06-29). Collection method: curation. Allele origin: germline. Study: ENIGMA.
Comment: Variant allele predicted to encode a truncated non-functional protein.

ClinVar Staff, National Center for Biotechnology Information (NCBI)
No classification provided. Condition: Familial cancer of breast. Review status: no classification provided. Collection method: literature only. Allele origin: germline. Affected: yes. Not counted in ClinVar's aggregate classification.

Literature cited by the submitters: PubMed 11802209 (cited by ClinVar Staff, National Center for Biotechnology Information (NCBI)).

NM_007294.4(BRCA1):c.742dup (p.Thr248fs)

Gene: BRCA1 (BRCA1 DNA repair associated; minus strand). Cytogenetic location: 17q21.31.
Variant type: Duplication.
Coding change: c.742dup on transcript NM_007294.4 (MANE Select); coding-DNA position 742, one base duplicated (A; older notation c.742dupA).
Protein change: p.Thr248fs; shifts the reading frame from threonine 248.
Molecular consequence: frameshift variant. On other transcripts: non-coding transcript variant (1).
Genome position (GRCh38, 1-based): chr17:43,094,789, T duplicated on the plus strand (A on the coding strand, the reverse complement: BRCA1 is on the minus strand). VCF-style (leftmost placement, unchanged base first): chr17-43094788-G-GT. GRCh37 (hg19) VCF-style: chr17-41246805-G-GT.
Other names: c.742dupA (NM_007294.3); c.601dup, p.Thr201Asnfs (NM_001407739.1, NM_001407750.1, NM_001407751.1 and 42 more transcripts); c.598dup, p.Thr200Asnfs (NM_001407740.1, NM_001407741.1, NM_001407742.1 and 26 more transcripts); c.529dup, p.Thr177Asnfs (NM_001407853.1, NM_001407894.1, NM_001407895.1 and 12 more transcripts); c.742dup, p.Thr248Asnfs (NM_001407854.1, NM_001407858.1, NM_001407859.1 and 52 more transcripts); c.739dup, p.Thr247Asnfs (NM_001407860.1, NM_001407861.1, NM_001407972.1 and 38 more transcripts); c.541dup, p.Thr181Asnfs (NM_001407862.1, NM_001408474.1, NM_001408476.1); c.619dup, p.Thr207Asnfs (NM_001407863.1, NM_001407919.1, NM_001407937.1 and 34 more transcripts); and 17 more; short protein forms T248fs, T201fs.
Identifiers: ClinVar variation 55686 (VCV000055686.3), dbSNP rs397509314, ClinGen allele CA328045.
Genomic context (GRCh38, chr17:43,094,788, plus strand): 5'-TTTGAAACAGAACTACCCTGATACTTTTCTGGATGCCTCTCAGCTGCACGCTTCTCAGTG[G>GT]TGTTCAAATCATTATTACTGGGTTGATGATGTTCAGTATTTGTTACATCCGTCTCAGAAA-3'